The following is an entry in ClinVar:

ClinVar aggregate classification (germline): Pathogenic (1 of 4 stars; one submission).

Conditions:
Blepharophimosis, ptosis, and epicanthus inversus syndrome. Identifiers: Orphanet 126, MedGen C0220663, MONDO:0007201, OMIM 110100.

Submission:

Genomic Diagnostic Laboratory, Division of Genomic Diagnostics, Children's Hospital of Philadelphia
Classification: Pathogenic for Blepharophimosis, ptosis, and epicanthus inversus syndrome. Last evaluated: 2016-11-03. Review status: criteria provided, single submitter. Criteria: DGD Variant Analysis Guidelines. Collection method: clinical testing. Allele origin: germline. Affected: yes. Observed: 1 variant allele.
Comment: Clinical Testing

NM_023067.4(FOXL2):c.582C>G (p.Tyr194Ter)

Gene: FOXL2 (forkhead box L2; minus strand). Cytogenetic location: 3q22.3.
Variant type: single nucleotide variant.
Coding change: c.582C>G on transcript NM_023067.4 (MANE Select); coding-DNA position 582, C replaced by G.
Protein change: p.Tyr194Ter; replaces tyrosine 194 with a stop codon.
Molecular consequence: nonsense.
Genome position (GRCh38, 1-based): chr3:138,946,141, G>C on the plus strand (C>G on the coding strand, the complement: FOXL2 is on the minus strand). VCF-style: chr3-138946141-G-C. GRCh37 (hg19) VCF-style: chr3-138664983-G-C.
Other names: short protein forms Y194*.
Identifiers: ClinVar variation 369914 (VCV000369914.1), dbSNP rs1057516163, ClinGen allele CA10654880.